The following is an entry in ClinVar:

ClinVar aggregate classification (germline): Uncertain significance (1 of 4 stars; one submission).

Conditions:
Hereditary cancer-predisposing syndrome. Also called: Tumor predisposition; Hereditary Cancer Syndrome; Hereditary neoplastic syndrome; Neoplastic Syndromes, Hereditary. Identifiers: Orphanet 140162, MedGen C0027672, MeSH D009386, MONDO:0015356.

Submission:

Ambry Genetics
Classification: Uncertain significance for Hereditary cancer-predisposing syndrome. Last evaluated: 2025-11-01. Review status: criteria provided, single submitter. Criteria: Ambry Variant Classification Scheme 2023. Collection method: clinical testing. Allele origin: germline.
Comment: The p.P225R variant (also known as c.674C>G), located in coding exon 3 of the XRCC2 gene, results from a C to G substitution at nucleotide position 674. The proline at codon 225 is replaced by arginine, an amino acid with dissimilar properties. This amino acid position is conserved. In addition, the in silico prediction for this alteration is inconclusive. Based on the available evidence, the clinical significance of this variant remains unclear.

NM_005431.2(XRCC2):c.674C>G (p.Pro225Arg)

Gene: XRCC2 (X-ray repair cross complementing 2; minus strand). Cytogenetic location: 7q36.1.
Variant type: single nucleotide variant.
Coding change: c.674C>G on transcript NM_005431.2 (MANE Select); coding-DNA position 674, C replaced by G.
Protein change: p.Pro225Arg; replaces proline 225 with arginine.
Molecular consequence: missense variant.
Genome position (GRCh38, 1-based): chr7:152,648,811, G>C on the plus strand (C>G on the coding strand, the complement: XRCC2 is on the minus strand). VCF-style: chr7-152648811-G-C. GRCh37 (hg19) VCF-style: chr7-152345896-G-C.
Other names: short protein forms P225R.
Identifiers: ClinVar variation 4558584 (VCV004558584.1).